The following is an entry in ClinVar:

NM_006306.4(SMC1A):c.3255T>A (p.Tyr1085Ter)

Gene: SMC1A (structural maintenance of chromosomes 1A; minus strand). Cytogenetic location: Xp11.22.
Variant type: single nucleotide variant.
Coding change: c.3255T>A on transcript NM_006306.4 (MANE Select); coding-DNA position 3255, T replaced by A.
Protein change: p.Tyr1085Ter; replaces tyrosine 1085 with a stop codon.
Molecular consequence: nonsense.
Genome position (GRCh38, 1-based): chrX:53,382,536, A>T on the plus strand (T>A on the coding strand, the complement: SMC1A is on the minus strand). VCF-style: chrX-53382536-A-T. GRCh37 (hg19) VCF-style: chrX-53409457-A-T.
Other names: c.3189T>A, p.Tyr1063Ter (NM_001281463.1); short protein forms Y1085*, Y1063*.
Identifiers: ClinVar variation 2108018 (VCV002108018.4), dbSNP rs2520823863, ClinGen allele CA413243924.

ClinVar aggregate classification (germline): Pathogenic (1 of 4 stars; one submission).

Conditions:
Congenital muscular hypertrophy-cerebral syndrome (CDLS2). Also called: SMC1A-Related Cornelia de Lange Syndrome; Cornelia de Lange syndrome 2. Identifiers: Orphanet 199, MedGen C1802395, MONDO:0010370, OMIM 300590.

Submission:

Labcorp Genetics (formerly Invitae), Labcorp
Classification: Pathogenic for Congenital muscular hypertrophy-cerebral syndrome. Last evaluated: 2022-03-09. Review status: criteria provided, single submitter. Criteria: Invitae Variant Classification Sherloc (09022015). Collection method: clinical testing. Allele origin: germline.
Comment: For these reasons, this variant has been classified as Pathogenic. This variant has not been reported in the literature in individuals affected with SMC1A-related conditions. This variant is not present in population databases (gnomAD no frequency). This sequence change creates a premature translational stop signal (p.Tyr1085*) in the SMC1A gene. It is expected to result in an absent or disrupted protein product. Loss-of-function variants in SMC1A are known to be pathogenic (PMID: 26386245, 27334371, 28166369, 28548707, 31334757).

Literature cited by the submitters: PubMed 26386245; PubMed 27334371; PubMed 28166369; PubMed 28548707; PubMed 31334757.